The following is an entry in ClinVar:

NM_007272.3(CTRC):c.653G>A (p.Gly218Asp)

Gene: CTRC (chymotrypsin C; plus strand). Cytogenetic location: 1p36.21.
Variant type: single nucleotide variant.
Coding change: c.653G>A on transcript NM_007272.3 (MANE Select); coding-DNA position 653, G replaced by A.
Protein change: p.Gly218Asp; replaces glycine 218 with aspartic acid.
Molecular consequence: missense variant.
Genome position (GRCh38, 1-based): chr1:15,445,610, G>A. VCF-style: chr1-15445610-G-A. GRCh37 (hg19) VCF-style: chr1-15772105-G-A.
Other names: short protein forms G218D.
Identifiers: ClinVar variation 1754107 (VCV001754107.2), dbSNP rs2526303357, ClinGen allele CA338567695.

ClinVar aggregate classification (germline): Uncertain significance (1 of 4 stars; one submission).

Conditions:
Hereditary pancreatitis (PCTT). Also called: Hereditary chronic pancreatitis; PRSS1-Related Hereditary Pancreatitis. Identifiers: Orphanet 676, MedGen C0238339, MONDO:0008185, OMIM 167800.

Submission:

Ambry Genetics
Classification: Uncertain significance for Hereditary pancreatitis. Last evaluated: 2022-10-08. Review status: criteria provided, single submitter. Criteria: Ambry Variant Classification Scheme 2023. Collection method: clinical testing. Allele origin: germline.
Comment: The p.G218D variant (also known as c.653G>A), located in coding exon 7 of the CTRC gene, results from a G to A substitution at nucleotide position 653. The glycine at codon 218 is replaced by aspartic acid, an amino acid with similar properties. This amino acid position is conserved. In addition, this alteration is predicted to be deleterious by in silico analysis. Since supporting evidence is limited at this time, the clinical significance of this alteration remains unclear.